The following is an entry in ClinVar:

ClinVar aggregate classification (germline): Uncertain significance (1 of 4 stars; one submission).

Allele frequency attached by ClinVar (database versions not stated): gnomAD exomes below 0.00001.
gnomAD v4.1: 1 of 1,612,706 alleles (0.000062%); highest among the groups gnomAD compares: African/African-American, 0.0013%; no homozygotes.

Submission:

Labcorp Genetics (formerly Invitae), Labcorp
Classification: Uncertain significance. Last evaluated: 2022-01-27. Review status: criteria provided, single submitter. Criteria: Invitae Variant Classification Sherloc (09022015). Collection method: clinical testing. Allele origin: germline.
Comment: This sequence change replaces asparagine, which is neutral and polar, with aspartic acid, which is acidic and polar, at codon 627 of the PLAA protein (p.Asn627Asp). This variant is not present in population databases (gnomAD no frequency). This variant has not been reported in the literature in individuals affected with PLAA-related conditions. Algorithms developed to predict the effect of missense changes on protein structure and function are either unavailable or do not agree on the potential impact of this missense change (SIFT: "Tolerated"; PolyPhen-2: "Probably Damaging"; Align-GVGD: "Class C0"). In summary, the available evidence is currently insufficient to determine the role of this variant in disease. Therefore, it has been classified as a Variant of Uncertain Significance.

NM_001031689.3(PLAA):c.1879A>G (p.Asn627Asp)

Gene: PLAA (phospholipase A2 activating protein; minus strand). Cytogenetic location: 9p21.2.
Variant type: single nucleotide variant.
Coding change: c.1879A>G on transcript NM_001031689.3 (MANE Select); coding-DNA position 1879, A replaced by G.
Protein change: p.Asn627Asp; replaces asparagine 627 with aspartic acid.
Molecular consequence: missense variant.
Genome position (GRCh38, 1-based): chr9:26,906,020, T>C on the plus strand (A>G on the coding strand, the complement: PLAA is on the minus strand). VCF-style: chr9-26906020-T-C. GRCh37 (hg19) VCF-style: chr9-26906018-T-C.
Other names: c.1810A>G, p.Asn604Asp (NM_001321546.2); short protein forms N604D, N627D.
Identifiers: ClinVar variation 2090538 (VCV002090538.4), dbSNP rs2489157371, ClinGen allele CA373127156.
Genomic context (GRCh38, chr9:26,906,020, plus strand): 5'-GAAGATTGATAAGATGACTGCTGAACTGAGCCCCTTCCTTTTCATTGCAGAAGTTCTCAT[T>C]CACACTGGGGTGTTTAATTGACAACCGAAGAATGTCAAGTGCAGGAAAGACAATATCTAT-3'
Protein context (NP_001026859.1, residues 617-637): LRLSIKHPSV[Asn627Asp]ENFCNEKEGA